The following is an entry in ClinVar:

ClinVar aggregate classification (germline): Benign. Review status: criteria provided, single submitter (1 of 4 stars). 2 submissions from 2 submitters: Benign (1). 1 of the submissions does not count toward it. Last evaluated 2026-01-14.

Conditions:
SLC9A3-related disorder. Also called: SLC9A3-related condition.

Allele frequency attached by ClinVar (database versions not stated): 1000 Genomes Project 0.00080; 1000 Genomes Project 30x 0.00094.
gnomAD v4.1: 371 of 1,603,214 alleles (0.023%); highest among the groups gnomAD compares: African/African-American, 0.45%; no homozygotes.

Submissions (2):

Labcorp Genetics (formerly Invitae), Labcorp
Classification: Benign. Last evaluated: 2026-01-14. Review status: criteria provided, single submitter. Criteria: Invitae Variant Classification Sherloc (09022015). Collection method: clinical testing. Allele origin: germline.

PreventionGenetics, part of Exact Sciences
Classification: Likely benign for SLC9A3-related condition. Last evaluated: 2020-01-02. Review status: no assertion criteria provided. Collection method: clinical testing. Allele origin: germline. Not counted in ClinVar's aggregate classification.
Comment: This variant is classified as likely benign based on ACMG/AMP sequence variant interpretation guidelines (Richards et al. 2015 PMID: 25741868, with internal and published modifications).

NM_004174.4(SLC9A3):c.1356+10A>C

Gene: SLC9A3 (solute carrier family 9 member A3). Cytogenetic location: 5p15.33.
Variant type: single nucleotide variant.
Coding change: c.1356+10A>C on transcript NM_004174.4 (MANE Select); 10 bases into the intron after coding-DNA position 1356, A replaced by C.
Molecular consequence: intron variant.
Genome position (GRCh38, 1-based): chr5:482,538, T>G on the plus strand (A>C on the coding strand, the complement: SLC9A3 is on the minus strand). VCF-style: chr5-482538-T-G. GRCh37 (hg19) VCF-style: chr5-482653-T-G.
Other names: c.1356+10A>C (NM_001284351.3, NM_004174.3).
Identifiers: ClinVar variation 1568855 (VCV001568855.10), dbSNP rs3777230, ClinGen allele CA3175997.